The following is an entry in ClinVar:

ClinVar aggregate classification (germline): Uncertain significance (1 of 4 stars; one submission).

Conditions:
Hereditary cancer-predisposing syndrome. Also called: Neoplastic Syndromes, Hereditary; Tumor predisposition; Hereditary Cancer Syndrome; Hereditary neoplastic syndrome. Identifiers: Orphanet 140162, MedGen C0027672, MeSH D009386, MONDO:0015356.

Submission:

Ambry Genetics
Classification: Uncertain significance for Hereditary cancer-predisposing syndrome. Last evaluated: 2025-09-22. Review status: criteria provided, single submitter. Criteria: Ambry Variant Classification Scheme 2023. Collection method: clinical testing. Allele origin: germline.
Comment: The p.A437T variant (also known as c.1309G>A), located in coding exon 12 of the NF2 gene, results from a G to A substitution at nucleotide position 1309. The alanine at codon 437 is replaced by threonine, an amino acid with similar properties. This amino acid position is conserved. In addition, the in silico prediction for this alteration is inconclusive. Based on the available evidence, the clinical significance of this variant remains unclear.

NM_000268.4(NF2):c.1309G>A (p.Ala437Thr)

Gene: NF2 (NF2, moesin-ezrin-radixin like (MERLIN) tumor suppressor; plus strand). Cytogenetic location: 22q12.2.
Variant type: single nucleotide variant.
Coding change: c.1309G>A on transcript NM_000268.4 (MANE Select); coding-DNA position 1309, G replaced by A.
Protein change: p.Ala437Thr; replaces alanine 437 with threonine.
Molecular consequence: missense variant. On other transcripts: intron variant (1).
Genome position (GRCh38, 1-based): chr22:29,673,455, G>A. VCF-style: chr22-29673455-G-A. GRCh37 (hg19) VCF-style: chr22-30069444-G-A.
Other names: c.1309G>A, p.Ala437Thr (NM_016418.5, NM_181825.3, NM_181832.3 and 2 more transcripts); c.1060G>A, p.Ala354Thr (NM_181830.3, NM_181831.3, NM_001407063.1 and 1 more transcripts); c.775G>A, p.Ala259Thr (NM_001407065.1); c.1051G>A, p.Ala351Thr (NM_001407062.1); c.1078G>A, p.Ala360Thr (NM_001407067.1); c.1183G>A, p.Ala395Thr (NM_181828.3, NM_001407055.1); c.1186G>A, p.Ala396Thr (NM_181829.3, NM_001407054.1, NM_001407058.1); c.1195G>A, p.Ala399Thr (NM_001407053.1, NM_001407056.1); and 2 more; short protein forms A259T, A360T, A392T, A351T, A396T, A399T, A354T, A395T.
Identifiers: ClinVar variation 4661278 (VCV004661278.1).